The following is an entry in ClinVar:

ClinVar aggregate classification (germline): Uncertain significance (1 of 4 stars; one submission).

Allele frequency attached by ClinVar (database versions not stated): gnomAD exomes below 0.00001.

Submission:

GeneDx
Classification: Uncertain significance. Last evaluated: 2019-11-20. Review status: criteria provided, single submitter. Criteria: GeneDx Variant Classification Process June 2021. Collection method: clinical testing. Allele origin: germline. Affected: yes.
Comment: Not observed in large population cohorts (Lek et al., 2016); The majority of missense variants in this gene are considered pathogenic (Stenson et al., 2014); In silico analysis, which includes protein predictors and evolutionary conservation, supports that this variant does not alter protein structure/function; Has not been previously published as pathogenic or benign to our knowledge

NM_000423.3(KRT2):c.1813G>C (p.Gly605Arg)

Gene: KRT2 (keratin 2; minus strand). Cytogenetic location: 12q13.13.
Variant type: single nucleotide variant.
Coding change: c.1813G>C on transcript NM_000423.3 (MANE Select); coding-DNA position 1813, G replaced by C.
Protein change: p.Gly605Arg; replaces glycine 605 with arginine.
Molecular consequence: missense variant.
Genome position (GRCh38, 1-based): chr12:52,645,126, C>G on the plus strand (G>C on the coding strand, the complement: KRT2 is on the minus strand). VCF-style: chr12-52645126-C-G. GRCh37 (hg19) VCF-style: chr12-53038910-C-G.
Other names: short protein forms G605R.
Identifiers: ClinVar variation 1310264 (VCV001310264.2), dbSNP rs1941143057, ClinGen allele CA384970492.